The following is an entry in ClinVar:

ClinVar aggregate classification (germline): Uncertain significance (1 of 4 stars; one submission).

Conditions:
KBG syndrome (KBGS). Also called: ANKRD11-Related KBG Syndrome. Identifiers: Orphanet 2332, MedGen C0220687, MONDO:0007846, OMIM 148050.

gnomAD v4.1: 2 of 1,614,064 alleles (0.00012%); highest among the groups gnomAD compares: African/African-American, 0.0027%; no homozygotes.

Submission:

Labcorp Genetics (formerly Invitae), Labcorp
Classification: Uncertain significance for KBG syndrome. Last evaluated: 2024-10-27. Review status: criteria provided, single submitter. Criteria: Invitae Variant Classification Sherloc (09022015). Collection method: clinical testing. Allele origin: germline.
Comment: This sequence change replaces arginine, which is basic and polar, with leucine, which is neutral and non-polar, at codon 1311 of the ANKRD11 protein (p.Arg1311Leu). This variant is not present in population databases (gnomAD no frequency). This variant has not been reported in the literature in individuals affected with ANKRD11-related conditions. Invitae Evidence Modeling of protein sequence and biophysical properties (such as structural, functional, and spatial information, amino acid conservation, physicochemical variation, residue mobility, and thermodynamic stability) indicates that this missense variant is not expected to disrupt ANKRD11 protein function with a negative predictive value of 95%. In summary, the available evidence is currently insufficient to determine the role of this variant in disease. Therefore, it has been classified as a Variant of Uncertain Significance.

NM_013275.6(ANKRD11):c.3932G>T (p.Arg1311Leu)

Gene: ANKRD11 (ankyrin repeat domain 11; minus strand). Cytogenetic location: 16q24.3.
Variant type: single nucleotide variant.
Coding change: c.3932G>T on transcript NM_013275.6 (MANE Select); coding-DNA position 3932, G replaced by T.
Protein change: p.Arg1311Leu; replaces arginine 1311 with leucine.
Molecular consequence: missense variant.
Genome position (GRCh38, 1-based): chr16:89,282,610, C>A on the plus strand (G>T on the coding strand, the complement: ANKRD11 is on the minus strand). VCF-style: chr16-89282610-C-A. GRCh37 (hg19) VCF-style: chr16-89349018-C-A.
Other names: c.3932G>T, p.Arg1311Leu (NM_001256182.2, NM_001256183.2); short protein forms R1311L.
Identifiers: ClinVar variation 3677341 (VCV003677341.2).